The following is an entry in ClinVar:

NM_000059.4(BRCA2):c.7618C>A (p.Leu2540Met)

Gene: BRCA2 (BRCA2 DNA repair associated; plus strand). Cytogenetic location: 13q13.1.
Variant type: single nucleotide variant.
Coding change: c.7618C>A on transcript NM_000059.4 (MANE Select); coding-DNA position 7618, C replaced by A.
Protein change: p.Leu2540Met; replaces leucine 2540 with methionine.
Molecular consequence: missense variant.
Genome position (GRCh38, 1-based): chr13:32,357,742, C>A. VCF-style: chr13-32357742-C-A. GRCh37 (hg19) VCF-style: chr13-32931879-C-A.
Other names: 7846C>A; short protein forms L2540M.
Identifiers: ClinVar variation 38111 (VCV000038111.27), dbSNP rs397507390, ClinGen allele CA025194.

ClinVar aggregate classification (germline): Conflicting classifications of pathogenicity. Review status: criteria provided, conflicting classifications (1 of 4 stars). 9 submissions from 9 submitters: Uncertain significance (6); Likely benign (1). 2 of the submissions do not count toward it. Last evaluated 2025-05-15.

Conditions:
BRCA2-related disorder. Also called: BRCA2-related condition; BRCA2-related disorders. Identifiers: MedGen CN239275.
Hereditary cancer-predisposing syndrome. Also called: Tumor predisposition; Neoplastic Syndromes, Hereditary; Hereditary neoplastic syndrome; Hereditary Cancer Syndrome. Identifiers: Orphanet 140162, MedGen C0027672, MeSH D009386, MONDO:0015356.
Hereditary breast ovarian cancer syndrome. Also called: Hereditary breast and ovarian cancer; Hereditary breast and ovarian cancer syndrome (HBOC); Hereditary breast and/or ovarian cancer syndrome; Breast and ovarian cancer; Hereditary breast and ovarian cancer syndrome; BRCA1- and BRCA2-Associated Hereditary Breast and Ovarian Cancer. Identifiers: Orphanet 145, MedGen C0677776, MeSH D061325, MONDO:0003582. Disease mechanism: loss of function.
Breast-ovarian cancer, familial, susceptibility to, 2 (BROVCA2). Also called: BRCA2 Hereditary Breast and Ovarian Cancer. Identifiers: Orphanet 145, MedGen C2675520, MONDO:0012933, OMIM 612555. Disease mechanism: loss of function.
Familial cancer of breast. Also called: Hereditary breast cancer; BREAST CANCER, FAMILIAL; hereditary breast carcinoma. Identifiers: Orphanet 227535, MedGen C0346153, MONDO:0016419, OMIM 114480. Disease mechanism: loss of function.

Allele frequency attached by ClinVar (database versions not stated): gnomAD exomes below 0.00001; TOPMed 0.00001; gnomAD 0.00002.
gnomAD v4.1: 4 of 1,610,326 alleles (0.00025%); highest among the groups gnomAD compares: African/African-American, 0.0053%; no homozygotes.

Submissions (9):

Ambry Genetics
Classification: Likely benign for Hereditary cancer-predisposing syndrome. Last evaluated: 2025-05-15. Review status: criteria provided, single submitter. Criteria: Ambry Variant Classification Scheme 2023. Collection method: clinical testing. Allele origin: germline.

Color Diagnostics, LLC DBA Color Health
Classification: Uncertain significance for Hereditary cancer-predisposing syndrome. Last evaluated: 2025-04-14. Review status: criteria provided, single submitter. Criteria: ACMG Guidelines, 2015. Collection method: clinical testing. Allele origin: germline.
Comment: This missense variant replaces leucine with methionine at codon 2540 of the BRCA2 protein. Computational prediction is inconclusive regarding the impact of this variant on protein structure and function. To our knowledge, functional studies have not been reported for this variant. This variant has not been reported in individuals affected with BRCA2-related disorders in the literature. This variant has not been identified in the general population by the Genome Aggregation Database (gnomAD). The available evidence is insufficient to determine the role of this variant in disease conclusively. Therefore, this variant is classified as a Variant of Uncertain Significance.

Labcorp Genetics (formerly Invitae), Labcorp
Classification: Uncertain significance for Hereditary breast ovarian cancer syndrome. Last evaluated: 2025-01-19. Review status: criteria provided, single submitter. Criteria: Invitae Variant Classification Sherloc (09022015). Collection method: clinical testing. Allele origin: germline.
Comment: This sequence change replaces leucine, which is neutral and non-polar, with methionine, which is neutral and non-polar, at codon 2540 of the BRCA2 protein (p.Leu2540Met). This variant is not present in population databases (gnomAD no frequency). This variant has not been reported in the literature in individuals affected with BRCA2-related conditions. ClinVar contains an entry for this variant (Variation ID: 38111). An algorithm developed to predict the effect of missense changes on protein structure and function (PolyPhen-2) suggests that this variant is likely to be disruptive. In summary, the available evidence is currently insufficient to determine the role of this variant in disease. Therefore, it has been classified as a Variant of Uncertain Significance.

Baylor Genetics
Classification: Uncertain significance for Familial cancer of breast. Last evaluated: 2024-03-19. Review status: criteria provided, single submitter. Criteria: ACMG Guidelines, 2015. Collection method: clinical testing. Allele origin: unknown.

All of Us Research Program, National Institutes of Health
Classification: Uncertain significance for Breast-ovarian cancer, familial, susceptibility to, 2. Last evaluated: 2023-11-30. Review status: criteria provided, single submitter. Criteria: ACMG Guidelines, 2015. Collection method: clinical testing. Allele origin: germline. Inheritance: Autosomal dominant inheritance. Observed: 1 variant allele, 1 heterozygote.
Comment: This missense variant replaces leucine with methionine at codon 2540 of the BRCA2 protein. Computational prediction tools and conservation analyses suggest that this variant may have deleterious impact on the protein function. Computational splicing tools suggest that this variant may not impact RNA splicing. To our knowledge, functional assays have not been performed for this variant nor has this variant been reported in individuals affected with hereditary cancer in the literature. This variant has not been identified in the general population by the Genome Aggregation Database (gnomAD). Available evidence is insufficient to determine the role of this variant in disease conclusively. Therefore, this variant is classified as a Variant of Uncertain Significance.

This study involves interpretation of variants in research participants for the purpose of population health screening. Participant phenotype was not available at the time of variant classification. Additional details can be found in publication PMID: 35346344, PMCID: PMC8962531

Quest Diagnostics Nichols Institute San Juan Capistrano
Classification: Uncertain significance. Last evaluated: 2023-10-10. Review status: criteria provided, single submitter. Criteria: Quest Diagnostics criteria. Collection method: clinical testing. Allele origin: unknown.

Women's Health and Genetics/Laboratory Corporation of America, LabCorp
Classification: Uncertain significance. Last evaluated: 2022-05-27. Review status: criteria provided, single submitter. Criteria: LabCorp Variant Classification Summary - May 2015. Collection method: clinical testing. Allele origin: germline.

PreventionGenetics, part of Exact Sciences
Classification: Uncertain significance for BRCA2-related condition. Last evaluated: 2023-11-30. Review status: no assertion criteria provided. Collection method: clinical testing. Allele origin: germline. Not counted in ClinVar's aggregate classification.
Comment: The BRCA2 c.7618C>A variant is predicted to result in the amino acid substitution p.Leu2540Met. To our knowledge, this variant has not been reported in the literature or in a large population database, indicating this variant is rare. This variant is interpreted as uncertain in ClinVar. At this time, the clinical significance of this variant is uncertain due to the absence of conclusive functional and genetic evidence.

Sharing Clinical Reports Project (SCRP)
Classification: Uncertain significance for Breast-ovarian cancer, familial 2. Last evaluated: 2012-01-30. Review status: no assertion criteria provided. Collection method: clinical testing. Allele origin: germline. Not counted in ClinVar's aggregate classification.